The following is an entry in ClinVar:

NM_000390.4(CHM):c.1138C>T (p.Gln380Ter)

Gene: CHM (CHM Rab escort protein; minus strand). Cytogenetic location: Xq21.2.
Variant type: single nucleotide variant.
Coding change: c.1138C>T on transcript NM_000390.4 (MANE Select); coding-DNA position 1138, C replaced by T.
Protein change: p.Gln380Ter; replaces glutamine 380 with a stop codon.
Molecular consequence: nonsense.
Genome position (GRCh38, 1-based): chrX:85,956,181, G>A on the plus strand (C>T on the coding strand, the complement: CHM is on the minus strand). VCF-style: chrX-85956181-G-A. GRCh37 (hg19) VCF-style: chrX-85211186-G-A.
Other names: c.1138C>T (LRG_699t1, NM_000390.3); c.694C>T, p.Gln232Ter (NM_001320959.1, NM_001362517.1, NM_001362518.2 and 1 more transcripts); short protein forms Q380*, Q232*.
Identifiers: ClinVar variation 279777 (VCV000279777.10), dbSNP rs886041181, ClinGen allele CA10603639.

ClinVar aggregate classification (germline): Pathogenic. Review status: criteria provided, multiple submitters, no conflicts (2 of 4 stars). 4 submissions from 4 submitters: Pathogenic (4). Last evaluated 2026-02-20.

Conditions:
CHM-related disorder. Also called: CHM-related condition.
CHM-related disorders.

Submissions (4):

PreventionGenetics, part of Exact Sciences
Classification: Pathogenic for CHM-related condition. Last evaluated: 2026-02-20. Review status: criteria provided, single submitter. Criteria: ACMG Guidelines, 2015. Collection method: clinical testing. Allele origin: germline.
Comment: The CHM c.1138C>T variant is predicted to result in premature protein termination (p.Gln380*). This variant has been reported in an individual with choroideremia (reported as c.1168C>T, Jacobson et al. 2006. PubMed ID: 16936131). This variant is absent in a large population database (gnomAD), indicating this variant is rare. Nonsense variants in CHM are an established mechanism of disease. This variant is interpreted as pathogenic.

Labcorp Genetics (formerly Invitae), Labcorp
Classification: Pathogenic. Last evaluated: 2025-12-24. Review status: criteria provided, single submitter. Criteria: Invitae Variant Classification Sherloc (09022015). Collection method: clinical testing. Allele origin: germline.
Comment: This sequence change creates a premature translational stop signal (p.Gln380*) in the CHM gene. It is expected to result in an absent or disrupted protein product. Loss-of-function variants in CHM are known to be pathogenic (PMID: 9067750, 23811034). This variant is not present in population databases (gnomAD no frequency). This premature translational stop signal has been observed in individual(s) with X-linked recessive choroideremia (PMID: 16936131; internal data). ClinVar contains an entry for this variant (Variation ID: 279777). For these reasons, this variant has been classified as Pathogenic.

Blueprint Genetics
Classification: Pathogenic for CHM-related disorders. Last evaluated: 2022-03-09. Review status: criteria provided, single submitter. Criteria: ACMG Guidelines, 2015. Collection method: clinical testing. Allele origin: germline. Affected: yes. Observed: 1 variant allele.

GeneDx
Classification: Pathogenic. Last evaluated: 2016-02-16. Review status: criteria provided, single submitter. Criteria: GeneDx Variant Classification (06012015). Collection method: clinical testing. Allele origin: germline. Affected: yes.
Comment: The Q380X nonsense variant in the CHM gene has been reported previously as c.1168 C>T, using alternate nomenclature, in association with choroideremia (Jacobson et al., 2006). This pathogenic variant is predicted to cause loss of normal protein function either through protein truncation or nonsense-mediated mRNA decay. The variant was not observed in approximately 6,500 individuals of European and African American ancestry in the NHLBI Exome Sequencing Project, indicating it is not a common benign variant in these populations. Therefore, this variant is pathogenic.

Literature cited by the submitters: PubMed 9067750 (cited by Labcorp Genetics (formerly Invitae), Labcorp); PubMed 23811034 (cited by Labcorp Genetics (formerly Invitae), Labcorp); PubMed 16936131 (cited by Labcorp Genetics (formerly Invitae), Labcorp).